The following is an entry in ClinVar:

ClinVar aggregate classification (germline): Uncertain significance (1 of 4 stars; one submission).

Allele frequency attached by ClinVar (database versions not stated): TOPMed below 0.00001.
gnomAD v4.1: 1 of 1,614,166 alleles (0.000062%); highest among the groups gnomAD compares: Non-Finnish European, 0.000085%; no homozygotes.

Submission:

Labcorp Genetics (formerly Invitae), Labcorp
Classification: Uncertain significance. Last evaluated: 2025-08-11. Review status: criteria provided, single submitter. Criteria: Invitae Variant Classification Sherloc (09022015). Collection method: clinical testing. Allele origin: germline.
Comment: This sequence change replaces proline, which is neutral and non-polar, with serine, which is neutral and polar, at codon 702 of the PITPNM3 protein (p.Pro702Ser). This variant is not present in population databases (gnomAD no frequency). This variant has not been reported in the literature in individuals affected with PITPNM3-related conditions. ClinVar contains an entry for this variant (Variation ID: 2878532). Invitae Evidence Modeling of protein sequence and biophysical properties (such as structural, functional, and spatial information, amino acid conservation, physicochemical variation, residue mobility, and thermodynamic stability) indicates that this missense variant is not expected to disrupt PITPNM3 protein function with a negative predictive value of 80%. In summary, the available evidence is currently insufficient to determine the role of this variant in disease. Therefore, it has been classified as a Variant of Uncertain Significance.

NM_031220.4(PITPNM3):c.2104C>T (p.Pro702Ser)

Gene: PITPNM3 (PITPNM family member 3; minus strand). Cytogenetic location: 17p13.2.
Variant type: single nucleotide variant.
Coding change: c.2104C>T on transcript NM_031220.4 (MANE Select); coding-DNA position 2104, C replaced by T.
Protein change: p.Pro702Ser; replaces proline 702 with serine.
Molecular consequence: missense variant.
Genome position (GRCh38, 1-based): chr17:6,464,222, G>A on the plus strand (C>T on the coding strand, the complement: PITPNM3 is on the minus strand). VCF-style: chr17-6464222-G-A. GRCh37 (hg19) VCF-style: chr17-6367542-G-A.
Other names: c.1996C>T, p.Pro666Ser (NM_001165966.2); short protein forms P702S, P666S.
Identifiers: ClinVar variation 2878532 (VCV002878532.3), dbSNP rs1017991507, ClinGen allele CA287308988.